The following is an entry in ClinVar:

ClinVar aggregate classification (germline): Uncertain significance (1 of 4 stars; one submission).

Conditions:
Inborn genetic diseases. Identifiers: MedGen C0950123, MeSH D030342.

Submission:

Ambry Genetics
Classification: Uncertain significance for Inborn genetic diseases. Last evaluated: 2025-11-18. Review status: criteria provided, single submitter. Criteria: Ambry Variant Classification Scheme 2023. Collection method: clinical testing. Allele origin: germline.
Comment: The p.Q531H variant (also known as c.1593G>T), located in coding exon 10 of the FANCM gene, results from a G to T substitution at nucleotide position 1593. The glutamine at codon 531 is replaced by histidine, an amino acid with highly similar properties. This amino acid position is conserved. In addition, this alteration is predicted to be tolerated by in silico analysis. Based on the available evidence, the clinical significance of this variant remains unclear.

NM_020937.4(FANCM):c.1593G>T (p.Gln531His)

Gene: FANCM (FA complementation group M; plus strand). Cytogenetic location: 14q21.2.
Variant type: single nucleotide variant.
Coding change: c.1593G>T on transcript NM_020937.4 (MANE Select); coding-DNA position 1593, G replaced by T.
Protein change: p.Gln531His; replaces glutamine 531 with histidine.
Molecular consequence: missense variant.
Genome position (GRCh38, 1-based): chr14:45,164,370, G>T. VCF-style: chr14-45164370-G-T. GRCh37 (hg19) VCF-style: chr14-45633573-G-T.
Other names: c.1515G>T, p.Gln505His (NM_001308133.2); c.1593G>T, p.Gln531His (NM_001308134.2); short protein forms Q531H, Q505H.
Identifiers: ClinVar variation 4619596 (VCV004619596.1).